The following is an entry in ClinVar:

ClinVar aggregate classification (germline): Uncertain significance (1 of 4 stars; one submission).

Submission:

Labcorp Genetics (formerly Invitae), Labcorp
Classification: Uncertain significance. Last evaluated: 2023-02-27. Review status: criteria provided, single submitter. Criteria: Invitae Variant Classification Sherloc (09022015). Collection method: clinical testing. Allele origin: germline.
Comment: This variant has not been reported in the literature in individuals affected with ABRAXAS1-related conditions. This variant is not present in population databases (gnomAD no frequency). This sequence change replaces serine, which is neutral and polar, with glycine, which is neutral and non-polar, at codon 339 of the ABRAXAS1 protein (p.Ser339Gly). In summary, the available evidence is currently insufficient to determine the role of this variant in disease. Therefore, it has been classified as a Variant of Uncertain Significance. Advanced modeling of protein sequence and biophysical properties (such as structural, functional, and spatial information, amino acid conservation, physicochemical variation, residue mobility, and thermodynamic stability) performed at Invitae indicates that this missense variant is not expected to disrupt ABRAXAS1 protein function.

NM_139076.3(ABRAXAS1):c.1015A>G (p.Ser339Gly)

Gene: ABRAXAS1 (abraxas 1, BRCA1 A complex subunit; minus strand). Cytogenetic location: 4q21.23.
Variant type: single nucleotide variant.
Coding change: c.1015A>G on transcript NM_139076.3 (MANE Select); coding-DNA position 1015, A replaced by G.
Protein change: p.Ser339Gly; replaces serine 339 with glycine.
Molecular consequence: missense variant.
Genome position (GRCh38, 1-based): chr4:83,462,684, T>C on the plus strand (A>G on the coding strand, the complement: ABRAXAS1 is on the minus strand). VCF-style: chr4-83462684-T-C. GRCh37 (hg19) VCF-style: chr4-84383837-T-C.
Other names: c.688A>G, p.Ser230Gly (NM_001345962.2); short protein forms S230G, S339G.
Identifiers: ClinVar variation 2841231 (VCV002841231.3), dbSNP rs2529418499, ClinGen allele CA357255488.
Genomic context (GRCh38, chr4:83,462,684, plus strand): 5'-TCTTGAATTGCCATCTGTCATCTAAGTCTAAGGCTTTATGCTTAATGATTTGTGGTGTAC[T>C]AGCTGGACTAGCTTCAGGAATGTCAGTGTGTTCTACCATTAAGGTCAGATTGTCTACTAC-3'
Protein context (NP_620775.2, residues 329-349): HTDIPEASPA[Ser339Gly]TPQIIKHKAL